The following is an entry in ClinVar:

NM_001364905.1(LRBA):c.3751A>G (p.Thr1251Ala)

Gene: LRBA (LPS responsive beige-like anchor protein; minus strand). Cytogenetic location: 4q31.3.
Variant type: single nucleotide variant.
Coding change: c.3751A>G on transcript NM_001364905.1 (MANE Select); coding-DNA position 3751, A replaced by G.
Protein change: p.Thr1251Ala; replaces threonine 1251 with alanine.
Molecular consequence: missense variant.
Genome position (GRCh38, 1-based): chr4:150,851,959, T>C on the plus strand (A>G on the coding strand, the complement: LRBA is on the minus strand). VCF-style: chr4-150851959-T-C. GRCh37 (hg19) VCF-style: chr4-151773111-T-C.
Other names: c.3751A>G, p.Thr1251Ala (NM_001199282.3, NM_001367550.1, NM_006726.5); short protein forms T1251A.
Identifiers: ClinVar variation 618199 (VCV000618199.22), dbSNP rs143973442, ClinGen allele CA3102998.

ClinVar aggregate classification (germline): Uncertain significance. Review status: criteria provided, multiple submitters, no conflicts (2 of 4 stars). 5 submissions from 5 submitters: Uncertain significance (5). Last evaluated 2025-10-08.

Conditions:
Combined immunodeficiency due to LRBA deficiency. Also called: Common variable immunodeficiency 8, with autoimmunity. Identifiers: Orphanet 445018, MedGen C3553512, MONDO:0013863, OMIM 614700.

Allele frequency attached by ClinVar (database versions not stated): gnomAD exomes 0.00010 and 0.00017; 1000 Genomes Project 30x 0.00016; 1000 Genomes Project 0.00020; ExAC 0.00022; gnomAD 0.00034 and 0.00035; TOPMed 0.00037; ESP Exome Variant Server 0.00046.
gnomAD v4.1: 193 of 1,614,170 alleles (0.012%); highest among the groups gnomAD compares: African/African-American, 0.15%; 2 homozygotes.

Submissions (5):

Labcorp Genetics (formerly Invitae), Labcorp
Classification: Uncertain significance for Combined immunodeficiency due to LRBA deficiency. Last evaluated: 2025-10-08. Review status: criteria provided, single submitter. Criteria: Invitae Variant Classification Sherloc (09022015). Collection method: clinical testing. Allele origin: germline.
Comment: This sequence change replaces threonine, which is neutral and polar, with alanine, which is neutral and non-polar, at codon 1251 of the LRBA protein (p.Thr1251Ala). This variant is present in population databases (rs143973442, gnomAD 0.1%). This missense change has been observed in individual(s) with inflammatory bowel disease (PMID: 33359885). ClinVar contains an entry for this variant (Variation ID: 618199). Invitae Evidence Modeling of protein sequence and biophysical properties (such as structural, functional, and spatial information, amino acid conservation, physicochemical variation, residue mobility, and thermodynamic stability) indicates that this missense variant is not expected to disrupt LRBA protein function with a negative predictive value of 80%. In summary, the available evidence is currently insufficient to determine the role of this variant in disease. Therefore, it has been classified as a Variant of Uncertain Significance.

Mayo Clinic Laboratories, Mayo Clinic
Classification: Uncertain significance. Last evaluated: 2025-06-24. Review status: criteria provided, single submitter. Criteria: ACMG Guidelines, 2015. Collection method: clinical testing. Allele origin: germline. Observed: 2 variant alleles.
Comment: BS1, BP4_moderate, PS4_supporting

ARUP Laboratories, Molecular Genetics and Genomics, ARUP Laboratories
Classification: Uncertain significance for Combined immunodeficiency due to LRBA deficiency. Last evaluated: 2023-08-10. Review status: criteria provided, single submitter. Criteria: ARUP Molecular Germline Variant Investigation Process 2024. Collection method: clinical testing. Allele origin: germline.
Comment: The LRBA c.3751A>G; p.Thr1251Ala variant (rs143973442) is reported in a cohort of individuals with inflammatory bowel disease (Gettler 2021). This variant is also reported in ClinVar (Variation ID: 618199). It is observed in the general population with an overall allele frequency of 0.018% (52/282654 alleles) in the Genome Aggregation Database. Computational analyses predict that this variant is neutral (REVEL: 0.035). Given the lack of clinical and functional data, the significance of this variant is uncertain at this time. References: Gettler K et al. Common and Rare Variant Prediction and Penetrance of IBD in a Large, Multi-ethnic, Health System-based Biobank Cohort. Gastroenterology. 2021 Apr;160(5):1546-1557. PMID: 33359885.

Fulgent Genetics
Classification: Uncertain significance for Combined immunodeficiency due to LRBA deficiency. Last evaluated: 2022-05-26. Review status: criteria provided, single submitter. Criteria: ACMG Guidelines, 2015. Collection method: clinical testing. Allele origin: unknown.

Breakthrough Genomics
Classification: Uncertain significance. Review status: criteria provided, single submitter. Criteria: ACMG Guidelines, 2015. Collection method: not provided. Allele origin: germline. Inheritance: Autosomal recessive inheritance. Affected: yes.

Literature cited by the submitters: PubMed 33359885 (cited by Labcorp Genetics (formerly Invitae), Labcorp and Mayo Clinic Laboratories, Mayo Clinic).